The following is an entry in ClinVar:

NM_016169.4(SUFU):c.1160G>T (p.Gly387Val)

Gene: SUFU (SUFU negative regulator of hedgehog signaling; plus strand). Cytogenetic location: 10q24.32.
Variant type: single nucleotide variant.
Coding change: c.1160G>T on transcript NM_016169.4 (MANE Select); coding-DNA position 1160, G replaced by T.
Protein change: p.Gly387Val; replaces glycine 387 with valine.
Molecular consequence: missense variant.
Genome position (GRCh38, 1-based): chr10:102,617,292, G>T. VCF-style: chr10-102617292-G-T. GRCh37 (hg19) VCF-style: chr10-104377049-G-T.
Other names: c.1160G>T, p.Gly387Val (NM_001178133.2); short protein forms G387V.
Identifiers: ClinVar variation 3802894 (VCV003802894.1).

ClinVar aggregate classification (germline): Uncertain significance (1 of 4 stars; one submission).

Conditions:
Hereditary cancer-predisposing syndrome. Also called: Neoplastic Syndromes, Hereditary; Hereditary Cancer Syndrome; Tumor predisposition; Hereditary neoplastic syndrome. Identifiers: Orphanet 140162, MedGen C0027672, MeSH D009386, MONDO:0015356.

Submission:

Ambry Genetics
Classification: Uncertain significance for Hereditary cancer-predisposing syndrome. Last evaluated: 2025-01-17. Review status: criteria provided, single submitter. Criteria: Ambry Variant Classification Scheme 2023. Collection method: clinical testing. Allele origin: germline.
Comment: The p.G387V variant (also known as c.1160G>T), located in coding exon 10 of the SUFU gene, results from a G to T substitution at nucleotide position 1160. The glycine at codon 387 is replaced by valine, an amino acid with dissimilar properties. This amino acid position is conserved. In addition, this alteration is predicted to be deleterious by in silico analysis. Based on the available evidence, the clinical significance of this variant remains unclear.